The following is an entry in ClinVar:

NM_001253697.2(ERBIN):c.3585C>G (p.Asp1195Glu)

Gene: ERBIN (erbb2 interacting protein; plus strand). Cytogenetic location: 5q12.3.
Variant type: single nucleotide variant.
Coding change: c.3585C>G on transcript NM_001253697.2 (MANE Select); coding-DNA position 3585, C replaced by G.
Protein change: p.Asp1195Glu; replaces aspartic acid 1195 with glutamic acid.
Molecular consequence: missense variant.
Genome position (GRCh38, 1-based): chr5:66,054,903, C>G. VCF-style: chr5-66054903-C-G. GRCh37 (hg19) VCF-style: chr5-65350731-C-G.
Other names: c.3585C>G, p.Asp1195Glu (NM_001006600.3, NM_001253698.2, NM_001253699.2 and 1 more transcripts); c.3573C>G, p.Asp1191Glu (NM_001253701.2); short protein forms D1191E, D1195E.
Identifiers: ClinVar variation 2085790 (VCV002085790.5), dbSNP rs765071385, ClinGen allele CA3286682.

ClinVar aggregate classification (germline): Uncertain significance (1 of 4 stars; one submission).

Allele frequency attached by ClinVar (database versions not stated): gnomAD 0.00001; gnomAD exomes 0.00001.
gnomAD v4.1: 20 of 1,612,862 alleles (0.0012%); highest among the groups gnomAD compares: Non-Finnish European, 0.0017%; no homozygotes.

Submissions (2):

Labcorp Genetics (formerly Invitae), Labcorp
Classification: Uncertain significance. Last evaluated: 2025-11-17. Review status: criteria provided, single submitter. Criteria: Invitae Variant Classification Sherloc (09022015). Collection method: clinical testing. Allele origin: germline.
Comment: This sequence change replaces aspartic acid, which is acidic and polar, with glutamic acid, which is acidic and polar, at codon 1195 of the ERBIN protein (p.Asp1195Glu). This variant is present in population databases (rs765071385, gnomAD 0.002%). This variant has not been reported in the literature in individuals affected with ERBIN-related conditions. ClinVar contains an entry for this variant (Variation ID: 2085790). An algorithm developed to predict the effect of missense changes on protein structure and function (PolyPhen-2) suggests that this variant is likely to be disruptive. In summary, the available evidence is currently insufficient to determine the role of this variant in disease. Therefore, it has been classified as a Variant of Uncertain Significance.

Dr. Peter K. Rogan Lab, Western University
No classification provided (evidence only). Condition: Gastric cancer. Review status: no classification provided. Collection method: in vitro. Allele origin: not applicable. Functional consequence: retained intron. Not counted in ClinVar's aggregate classification.